The following is an entry in ClinVar:

ClinVar aggregate classification (germline): Uncertain significance (1 of 4 stars; one submission).

Submission:

GeneDx
Classification: Uncertain significance. Last evaluated: 2025-10-16. Review status: criteria provided, single submitter. Criteria: GeneDx Variant Classification Process June 2021. Collection method: clinical testing. Allele origin: germline.
Comment: Not observed at significant frequency in large population cohorts (gnomAD); In silico analysis supports that this missense variant has a deleterious effect on protein structure/function; Has not been previously published as pathogenic or benign to our knowledge

NM_015570.4(AUTS2):c.524T>G (p.Leu175Arg)

Gene: AUTS2 (activator of transcription and developmental regulator AUTS2; plus strand). Cytogenetic location: 7q11.22.
Variant type: single nucleotide variant.
Coding change: c.524T>G on transcript NM_015570.4 (MANE Select); coding-DNA position 524, T replaced by G.
Protein change: p.Leu175Arg; replaces leucine 175 with arginine.
Molecular consequence: missense variant.
Genome position (GRCh38, 1-based): chr7:70,118,133, T>G. VCF-style: chr7-70118133-T-G. GRCh37 (hg19) VCF-style: chr7-69583119-T-G.
Other names: c.524T>G, p.Leu175Arg (NM_001127231.3, NM_001127232.3); short protein forms L175R.
Identifiers: ClinVar variation 4088067 (VCV004088067.2).